The following is an entry in ClinVar:

NM_002519.3(NPAT):c.2765T>C (p.Val922Ala)

Gene: NPAT (nuclear protein, coactivator of histone transcription; minus strand). Cytogenetic location: 11q22.3.
Variant type: single nucleotide variant.
Coding change: c.2765T>C on transcript NM_002519.3 (MANE Select); coding-DNA position 2765, T replaced by C.
Protein change: p.Val922Ala; replaces valine 922 with alanine.
Molecular consequence: missense variant.
Genome position (GRCh38, 1-based): chr11:108,172,219, A>G on the plus strand (T>C on the coding strand, the complement: NPAT is on the minus strand). VCF-style: chr11-108172219-A-G. GRCh37 (hg19) VCF-style: chr11-108042946-A-G.
Other names: c.2765T>C, p.Val922Ala (NM_001321307.1); short protein forms V922A.
Identifiers: ClinVar variation 3407275 (VCV003407275.1).

ClinVar aggregate classification (germline): Uncertain significance (1 of 4 stars; one submission).

Submission:

Ambry Genetics
Classification: Uncertain significance. Last evaluated: 2024-11-15. Review status: criteria provided, single submitter. Criteria: Ambry Variant Classification Scheme 2023. Collection method: clinical testing. Allele origin: germline.
Comment: The p.V922A variant (also known as c.2765T>C), located in coding exon 13 of the NPAT gene, results from a T to C substitution at nucleotide position 2765. The valine at codon 922 is replaced by alanine, an amino acid with similar properties. This amino acid position is conserved. In addition, this alteration is predicted to be tolerated by in silico analysis. Based on the available evidence, the clinical significance of this variant remains unclear.